The following is an entry in ClinVar:

ClinVar aggregate classification (germline): Uncertain significance. Review status: criteria provided, multiple submitters, no conflicts (2 of 4 stars). 2 submissions from 2 submitters: Uncertain significance (2). Last evaluated 2024-12-16.

Conditions:
Inborn genetic diseases. Identifiers: MedGen C0950123, MeSH D030342.

gnomAD v4.1: 11 of 1,613,836 alleles (0.00068%); highest among the groups gnomAD compares: Non-Finnish European, 0.00093%; no homozygotes.

Submissions (2):

Ambry Genetics
Classification: Uncertain significance for Inborn genetic diseases. Last evaluated: 2024-12-16. Review status: criteria provided, single submitter. Criteria: Ambry Variant Classification Scheme 2023. Collection method: clinical testing. Allele origin: germline.

GeneDx
Classification: Uncertain significance. Last evaluated: 2024-06-25. Review status: criteria provided, single submitter. Criteria: GeneDx Variant Classification Process June 2021. Collection method: clinical testing. Allele origin: germline. Affected: yes.
Comment: In silico analysis supports that this missense variant has a deleterious effect on protein structure/function; Not observed at significant frequency in large population cohorts (gnomAD); Has not been previously published as pathogenic or benign to our knowledge

NM_022124.6(CDH23):c.4936G>A (p.Gly1646Ser)

Gene: CDH23 (cadherin related 23; plus strand). Cytogenetic location: 10q22.1.
Variant type: single nucleotide variant.
Coding change: c.4936G>A on transcript NM_022124.6 (MANE Select); coding-DNA position 4936, G replaced by A.
Protein change: p.Gly1646Ser; replaces glycine 1646 with serine.
Molecular consequence: missense variant.
Genome position (GRCh38, 1-based): chr10:71,777,770, G>A. VCF-style: chr10-71777770-G-A. GRCh37 (hg19) VCF-style: chr10-73537527-G-A.
Other names: short protein forms G1646S.
Identifiers: ClinVar variation 3392766 (VCV003392766.2).